The following is an entry in ClinVar:

ClinVar aggregate classification (germline): Conflicting classifications of pathogenicity. Review status: criteria provided, conflicting classifications (1 of 4 stars). 3 submissions from 3 submitters: Uncertain significance (2); Likely benign (1). Last evaluated 2025-01-13.

Conditions:
Inborn genetic diseases. Identifiers: MedGen C0950123, MeSH D030342.
KBG syndrome (KBGS). Also called: ANKRD11-Related KBG Syndrome. Identifiers: Orphanet 2332, MedGen C0220687, MONDO:0007846, OMIM 148050.

Allele frequency attached by ClinVar (database versions not stated): gnomAD exomes 0.00003 and 0.00001; gnomAD 0.00004; 1000 Genomes Project 30x 0.00016; ExAC 0.00002; TOPMed 0.00002; 1000 Genomes Project 0.00020.
gnomAD v4.1: 53 of 1,613,680 alleles (0.0033%); highest among the groups gnomAD compares: Non-Finnish European, 0.0042%; no homozygotes.

Submissions (3):

Labcorp Genetics (formerly Invitae), Labcorp
Classification: Uncertain significance for KBG syndrome. Last evaluated: 2025-01-13. Review status: criteria provided, single submitter. Criteria: Invitae Variant Classification Sherloc (09022015). Collection method: clinical testing. Allele origin: germline.
Comment: This sequence change replaces arginine, which is basic and polar, with tryptophan, which is neutral and slightly polar, at codon 1486 of the ANKRD11 protein (p.Arg1486Trp). This variant is present in population databases (rs189656772, gnomAD 0.007%). This variant has not been reported in the literature in individuals affected with ANKRD11-related conditions. ClinVar contains an entry for this variant (Variation ID: 589456). Invitae Evidence Modeling of protein sequence and biophysical properties (such as structural, functional, and spatial information, amino acid conservation, physicochemical variation, residue mobility, and thermodynamic stability) indicates that this missense variant is not expected to disrupt ANKRD11 protein function with a negative predictive value of 95%. In summary, the available evidence is currently insufficient to determine the role of this variant in disease. Therefore, it has been classified as a Variant of Uncertain Significance.

Blueprint Genetics
Classification: Likely benign. Last evaluated: 2022-07-26. Review status: criteria provided, single submitter. Criteria: ACMG Guidelines, 2015. Collection method: clinical testing. Allele origin: germline.

Ambry Genetics
Classification: Uncertain significance for Inborn genetic diseases. Last evaluated: 2016-11-22. Review status: criteria provided, single submitter. Criteria: Ambry Variant Classification Scheme 2023. Collection method: clinical testing. Allele origin: germline.
Comment: The p.R1486W variant (also known as c.4456C>T), located in coding exon 7 of the ANKRD11 gene, results from a C to T substitution at nucleotide position 4456. The arginine at codon 1486 is replaced by tryptophan, an amino acid with dissimilar properties. This variant was previously reported in the SNPDatabase as rs189656772. Based on data from the 1000 Genomes Project, the T allele has an overall frequency of approximately 0.05% (1/2098) total alleles studied. The highest observed frequency was 0.94% (1/106) African-American SW alleles. This amino acid position is well conserved on limited sequence alignment. In addition, this alteration is predicted to be tolerated by in silico analysis. Since supporting evidence is limited at this time, the clinical significance of this alteration remains unclear.

NM_013275.6(ANKRD11):c.4456C>T (p.Arg1486Trp)

Gene: ANKRD11 (ankyrin repeat domain 11; minus strand). Cytogenetic location: 16q24.3.
Variant type: single nucleotide variant.
Coding change: c.4456C>T on transcript NM_013275.6 (MANE Select); coding-DNA position 4456, C replaced by T.
Protein change: p.Arg1486Trp; replaces arginine 1486 with tryptophan.
Molecular consequence: missense variant.
Genome position (GRCh38, 1-based): chr16:89,282,086, G>A on the plus strand (C>T on the coding strand, the complement: ANKRD11 is on the minus strand). VCF-style: chr16-89282086-G-A. GRCh37 (hg19) VCF-style: chr16-89348494-G-A.
Other names: c.4456C>T, p.Arg1486Trp (NM_001256182.2, NM_001256183.2); short protein forms R1486W.
Identifiers: ClinVar variation 589456 (VCV000589456.11), dbSNP rs189656772, ClinGen allele CA8242106.